The following is an entry in ClinVar:

NM_203447.4(DOCK8):c.3573C>T (p.Ser1191=)

Gene: DOCK8 (dedicator of cytokinesis 8; plus strand). Cytogenetic location: 9p24.3.
Variant type: single nucleotide variant.
Coding change: c.3573C>T on transcript NM_203447.4 (MANE Select); coding-DNA position 3573, C replaced by T.
Protein change: p.Ser1191=; no amino-acid change (serine 1191 retained).
Molecular consequence: synonymous variant.
Genome position (GRCh38, 1-based): chr9:414,824, C>T. VCF-style: chr9-414824-C-T. GRCh37 (hg19) VCF-style: chr9-414824-C-T.
Other names: p.Ser1191=; c.3273C>T, p.Ser1091= (NM_001190458.2); c.3369C>T, p.Ser1123= (NM_001193536.2).
Identifiers: ClinVar variation 163175 (VCV000163175.55), dbSNP rs13285348, ClinGen allele CA175866.

ClinVar aggregate classification (germline): Benign/Likely benign. Review status: criteria provided, multiple submitters, no conflicts (2 of 4 stars). 11 submissions from 11 submitters: Benign (7); Likely benign (2). 2 of the submissions do not count toward it. Last evaluated 2026-06-01.

Conditions:
Combined immunodeficiency due to DOCK8 deficiency (HIES2). Also called: HYPER-IgE SYNDROME 2, AUTOSOMAL RECESSIVE, WITH RECURRENT INFECTIONS; HIES autosomal recessive; HYPER-IgE RECURRENT INFECTION SYNDROME 2, AUTOSOMAL RECESSIVE; Hyper-IgE recurrent infection syndrome, autosomal recessive; DOCK8 Deficiency. Identifiers: Orphanet 217390, MedGen C4722305, MONDO:0009478, OMIM 243700.

Allele frequency attached by ClinVar (database versions not stated): 1000 Genomes Project 30x 0.00156; 1000 Genomes Project 0.00160; gnomAD 0.00471; ExAC 0.00563; ESP Exome Variant Server 0.00769; TOPMed 0.00776.
gnomAD v4.1: 15,126 of 1,614,196 alleles (0.94%); highest among the groups gnomAD compares: Non-Finnish European, 1.2%; 107 homozygotes.

Submissions (11):

CeGaT Center for Human Genetics Tuebingen
Classification: Benign. Last evaluated: 2026-06-01. Review status: criteria provided, single submitter. Criteria: CeGaT Center For Human Genetics Tuebingen Variant Classification Criteria Version 2. Collection method: clinical testing. Allele origin: germline. Affected: yes. Observed: 19 variant alleles.
Comment: DOCK8: BP4, BS1, BS2

Labcorp Genetics (formerly Invitae), Labcorp
Classification: Benign for Combined immunodeficiency due to DOCK8 deficiency. Last evaluated: 2026-02-04. Review status: criteria provided, single submitter. Criteria: Invitae Variant Classification Sherloc (09022015). Collection method: clinical testing. Allele origin: germline.

Women's Health and Genetics/Laboratory Corporation of America, LabCorp
Classification: Benign. Last evaluated: 2026-01-22. Review status: criteria provided, single submitter. Criteria: LabCorp Variant Classification Summary - May 2015. Collection method: clinical testing. Allele origin: germline.

Mayo Clinic Laboratories, Mayo Clinic
Classification: Benign. Last evaluated: 2023-09-25. Review status: criteria provided, single submitter. Criteria: ACMG Guidelines, 2015. Collection method: clinical testing. Allele origin: germline. Observed: 11 variant alleles.
Comment: BS1, BS2, BP4, BP7

Genetic Services Laboratory, University of Chicago
Classification: Benign. Last evaluated: 2021-11-22. Review status: criteria provided, single submitter. Criteria: ACMG Guidelines, 2015. Collection method: clinical testing. Allele origin: germline. Affected: no.

Illumina Laboratory Services, Illumina
Classification: Likely benign for Combined immunodeficiency due to DOCK8 deficiency. Last evaluated: 2018-01-12. Review status: criteria provided, single submitter. Criteria: ICSL Variant Classification Criteria 13 December 2019. Collection method: clinical testing. Allele origin: germline.
Comment: This variant was observed in the ICSL laboratory as part of a predisposition screen in an ostensibly healthy population. It had not been previously curated by ICSL or reported in the Human Gene Mutation Database (HGMD: prior to June 1st, 2018), and was therefore a candidate for classification through an automated scoring system. Utilizing variant allele frequency, disease prevalence and penetrance estimates, and inheritance mode, an automated score was calculated to assess if this variant is too frequent to cause the disease. Based on the score and internal cut-off values, a variant classified as likely benign is not then subjected to further curation. The score for this variant resulted in a classification of likely benign for this disease.

GeneDx
Classification: Benign. Last evaluated: 2015-03-03. Review status: criteria provided, single submitter. Criteria: GeneDx Variant Classification Process June 2021. Collection method: clinical testing. Allele origin: germline. Affected: yes.

Laboratory for Molecular Medicine, Mass General Brigham Personalized Medicine
Classification: Benign. Last evaluated: 2013-02-21. Review status: criteria provided, single submitter. Criteria: LMM Criteria. Collection method: clinical testing. Allele origin: germline. Observed: 3 variant alleles.
Comment: Ser1191Ser in exon 29 of DOCK8: This variant is not expected to have clinical si gnificance because it does not alter an amino acid residue and is not located wi thin the splice consensus sequence. It has been identified in 1.1% (92/8600) of European American chromosomes from a broad population by the NHLBI Exome Sequenc ing Project (dbSNP rs13285348).

Breakthrough Genomics
Classification: Likely benign. Review status: criteria provided, single submitter. Criteria: ACMG Guidelines, 2015. Collection method: not provided. Allele origin: germline. Inheritance: Autosomal recessive inheritance. Affected: yes.

Clinical Genetics DNA and cytogenetics Diagnostics Lab, Erasmus MC, Erasmus Medical Center
Classification: Benign. Review status: no assertion criteria provided. Collection method: clinical testing. Allele origin: germline. Affected: yes. Study: VKGL Data-share Consensus. Not counted in ClinVar's aggregate classification.

Genome Diagnostics Laboratory, Amsterdam University Medical Center
Classification: Benign. Review status: no assertion criteria provided. Collection method: clinical testing. Allele origin: germline. Affected: yes. Study: VKGL Data-share Consensus. Not counted in ClinVar's aggregate classification.